The following is an entry in ClinVar:

NM_152906.7(TANGO2):c.-39-150G>T

Gene: TANGO2 (transport and golgi organization 2 homolog; plus strand). Cytogenetic location: 22q11.21.
Variant type: single nucleotide variant.
Coding change: c.-39-150G>T on transcript NM_152906.7 (MANE Select); 150 bases into the intron before 39 bases upstream of the start codon, G replaced by T.
Molecular consequence: intron variant.
Genome position (GRCh38, 1-based): chr22:20,036,610, G>T. VCF-style: chr22-20036610-G-T. GRCh37 (hg19) VCF-style: chr22-20024133-G-T.
Other names: c.-39-150G>T (NM_001283106.3, NM_001322163.2, NM_001283179.3 and 10 more transcripts); c.-218-150G>T (NM_001322174.2, NM_001322160.2, NM_001322175.2 and 5 more transcripts); c.-458-150G>T (NM_001322172.2, NM_001322148.2, NM_001322150.2 and 1 more transcripts); c.-156-150G>T (NM_001322143.2, NM_001322145.2, NM_001322141.2 and 5 more transcripts).
Identifiers: ClinVar variation 4076240 (VCV004076240.1).
Genomic context (GRCh38, chr22:20,036,610, plus strand): 5'-GAGAGACAGTCTGGCCAGTGCCAATGAGTGCATGGGTTTGGGAGTTGTTTGTGTGGCACC[G>T]GCCAAGAGTGTGGTGTCCAGTTCCCCCACACCCAGCAAGTAGTACAGACACCACAGAGGT-3'

ClinVar aggregate classification (germline): Uncertain significance (1 of 4 stars; one submission).

Conditions:
Recurrent metabolic encephalomyopathic crises-rhabdomyolysis-cardiac arrhythmia-intellectual disability syndrome (MECRCN). Also called: METABOLIC CRISES, RECURRENT, WITH RHABDOMYOLYSIS, CARDIAC ARRHYTHMIAS, AND NEURODEGENERATION; TANGO2 Deficiency; Metabolic encephalomyopathic crises, recurrent, with rhabdomyolysis, cardiac arrhythmias, and neurodegeneration. Identifiers: Orphanet 480864, MedGen C5567524, MONDO:0018820, OMIM 616878.

gnomAD v4.1: 1 of 686,214 alleles (0.00015%); highest among the groups gnomAD compares: Admixed American, 0.0024%; no homozygotes.

Submission:

Laboratorio de Genetica e Diagnostico Molecular, Hospital Israelita Albert Einstein
Classification: Uncertain significance for Recurrent metabolic encephalomyopathic crises-rhabdomyolysis-cardiac arrhythmia-intellectual disability syndrome. Last evaluated: 2024-07-21. Review status: criteria provided, single submitter. Criteria: ACMG Guidelines, 2015. Collection method: clinical testing. Allele origin: germline. Affected: yes.
Comment: ACMG classification criteria: PM2 supporting